The following is an entry in ClinVar:

ClinVar aggregate classification (germline): Uncertain significance (1 of 4 stars; one submission).

Submission:

Women's Health and Genetics/Laboratory Corporation of America, LabCorp
Classification: Uncertain significance. Last evaluated: 2024-10-04. Review status: criteria provided, single submitter. Criteria: LabCorp Variant Classification Summary - May 2015. Collection method: clinical testing. Allele origin: germline.
Comment: Variant summary: DUOX2 c.4541T>C (p.Val1514Ala) results in a non-conservative amino acid change located in the ferric reductase, NAD binding domain of the encoded protein sequence. Five of five in-silico tools predict a damaging effect of the variant on protein function. The variant allele was found at a frequency of 4e-06 in 249706 control chromosomes. The available data on variant occurrences in the general population are insufficient to allow any conclusion about variant significance. c.4541T>C has been reported in the literature in at least one individual affected with congenital hypothryoidism (e.g., Wang_2021). This report does not provide unequivocal conclusions about association of the variant with Thyroid Dyshormonogenesis 6. To our knowledge, no experimental evidence demonstrating an impact on protein function has been reported. The following publication has been ascertained in the context of this evaluation (PMID: 33631011). No submitters have cited clinical-significance assessments for this variant to ClinVar. Based on the evidence outlined above, the variant was classified as uncertain significance.

Literature cited by the submitters: PubMed 33631011.

NM_001363711.2(DUOX2):c.4541T>C (p.Val1514Ala)

Gene: DUOX2 (dual oxidase 2; minus strand). Cytogenetic location: 15q21.1.
Variant type: single nucleotide variant.
Coding change: c.4541T>C on transcript NM_001363711.2 (MANE Select); coding-DNA position 4541, T replaced by C.
Protein change: p.Val1514Ala; replaces valine 1514 with alanine.
Molecular consequence: missense variant.
Genome position (GRCh38, 1-based): chr15:45,094,256, A>G on the plus strand (T>C on the coding strand, the complement: DUOX2 is on the minus strand). VCF-style: chr15-45094256-A-G. GRCh37 (hg19) VCF-style: chr15-45386454-A-G.
Other names: c.4541T>C, p.Val1514Ala (NM_014080.5); short protein forms V1514A.
Identifiers: ClinVar variation 3384925 (VCV003384925.1).
Genomic context (GRCh38, chr15:45,094,256, plus strand): 5'-TTGACGAGCTGACAGGCCTTCTCTACATTCTTGGTCATTCCTGGAGGGCCGCAGCTGAAC[A>G]CCCCGATCTTGCGCACCTGTCAGGAGATTGGAGAGAGAGAGGGGCCTGCAGCCTAAAGGT-3'
Protein context (NP_001350640.1, residues 1504-1524): EVHPQVRKIG[Val1514Ala]FSCGPPGMTK